The following is an entry in ClinVar:

NM_032813.5(TMTC4):c.2222C>G (p.Thr741Ser)

Gene: TMTC4 (transmembrane O-mannosyltransferase targeting cadherins 4; minus strand). Cytogenetic location: 13q32.3.
Variant type: single nucleotide variant.
Coding change: c.2222C>G on transcript NM_032813.5 (MANE Select); coding-DNA position 2222, C replaced by G.
Protein change: p.Thr741Ser; replaces threonine 741 with serine.
Molecular consequence: missense variant. On other transcripts: non-coding transcript variant (1).
Genome position (GRCh38, 1-based): chr13:100,605,055, G>C on the plus strand (C>G on the coding strand, the complement: TMTC4 is on the minus strand). VCF-style: chr13-100605055-G-C. GRCh37 (hg19) VCF-style: chr13-101257309-G-C.
Other names: c.2165C>G, p.Thr722Ser (NM_001079669.4, NM_001350572.2); c.1832C>G, p.Thr611Ser (NM_001286453.3); c.2396C>G, p.Thr799Ser (NM_001350571.2); c.2339C>G, p.Thr780Ser (NM_001350574.2); c.2216C>G, p.Thr739Ser (NM_001350576.2); c.2159C>G, p.Thr720Ser (NM_001350577.2); short protein forms T741S, T799S, T720S, T722S, T739S, T611S, T780S.
Identifiers: ClinVar variation 4981031 (VCV004981031.1).

ClinVar aggregate classification (germline): Likely benign (1 of 4 stars; one submission).

Conditions:
TMTC4-related condition.

gnomAD v4.1: 4,673 of 1,614,070 alleles (0.29%); highest among the groups gnomAD compares: Non-Finnish European, 0.37%; 13 homozygotes.

Submission:

PreventionGenetics, part of Exact Sciences
Classification: Likely benign for TMTC4-related condition. Last evaluated: 2025-02-06. Review status: criteria provided, single submitter. Criteria: ACMG Guidelines, 2015. Collection method: clinical testing. Allele origin: germline.
Comment: This variant is classified as likely benign based on ACMG/AMP sequence variant interpretation guidelines (Richards et al. 2015 PMID: 25741868, with internal and published modifications).